The following is an entry in ClinVar:

NM_000497.4(CYP11B1):c.1235G>T (p.Arg412Leu)

Genes: CYP11B1 (cytochrome P450 family 11 subfamily B member 1; minus strand), LOC106799833 (CYP11B1 recombination region; plus strand). Cytogenetic location: 8q24.3.
Variant type: single nucleotide variant.
Coding change: c.1235G>T on transcript NM_000497.4 (MANE Select); coding-DNA position 1235, G replaced by T.
Protein change: p.Arg412Leu; replaces arginine 412 with leucine.
Molecular consequence: missense variant. On other transcripts: intron variant (1).
Genome position (GRCh38, 1-based): chr8:142,875,120, C>A on the plus strand (G>T on the coding strand, the complement: CYP11B1 is on the minus strand). VCF-style: chr8-142875120-C-A. GRCh37 (hg19) VCF-style: chr8-143956536-C-A.
Other names: c.1200+114G>T (NM_001026213.1); short protein forms R412L.
Identifiers: ClinVar variation 3768236 (VCV003768236.1).

ClinVar aggregate classification (germline): Uncertain significance (1 of 4 stars; one submission).

Submission:

Women's Health and Genetics/Laboratory Corporation of America, LabCorp
Classification: Uncertain significance. Last evaluated: 2024-12-05. Review status: criteria provided, single submitter. Criteria: LabCorp Variant Classification Summary - May 2015. Collection method: clinical testing. Allele origin: germline.
Comment: Variant summary: CYP11B1 c.1235G>T (p.Arg412Leu) results in a non-conservative amino acid change in the encoded protein sequence. Five of five in-silico tools predict a damaging effect of the variant on protein function. The variant was absent in 251482 control chromosomes. The available data on variant occurrences in the general population are insufficient to allow any conclusion about variant significance. c.1235G>T has been reported in the literature in a compound heterozygous individual affected with Congenital Adrenal Hyperplasia (Yildiz_2021). These data do not allow any conclusion about variant significance. To our knowledge, no experimental evidence demonstrating an impact on protein function has been reported. The following publication have been ascertained in the context of this evaluation (PMID: 33830237). No submitters have cited clinical-significance assessments for this variant to ClinVar. Based on the evidence outlined above, the variant was classified as uncertain significance.

Literature cited by the submitters: PubMed 33830237.